The following is an entry in ClinVar:

ClinVar aggregate classification (germline): Uncertain significance. Review status: reviewed by expert panel (3 of 4 stars). 3 submissions from 2 submitters: Uncertain significance (1). 2 of the submissions do not count toward it. Last evaluated 2026-01-12.

Conditions:
Open-angle glaucoma. Identifiers: MedGen C0017612, MONDO:0005338, HP:0012108.
Glaucoma. Identifiers: MedGen C0017601, MONDO:0005041, HP:0000501.
Glaucoma 1, open angle, A (GLC1A). Also called: Glaucoma, Dominant (Juvenile Onset). Identifiers: Orphanet 98977, MedGen C1842028, MONDO:0007664, OMIM 137750.

Submissions (3):

ClinGen Glaucoma Variant Curation Expert Panel
Classification: Uncertain significance for Open-angle glaucoma. Last evaluated: 2026-01-12. Review status: reviewed by expert panel. Criteria: ClinGen Glaucoma ACMG Specifications V2.0.0 Approved. Collection method: curation. Allele origin: germline. Inheritance: Autosomal dominant inheritance.
Comment: The c.871G>A variant in MYOC is a missense variant predicted to cause substitution of Valine by Isoleucine at amino acid 291 (p.Val291Ile). This variant was not found in any genetic ancestry group of gnomAD (v4.1.0), meeting the ≤ 0.0001 threshold set for PM2_Supporting in a genetic ancestry group of at least 10,000 alleles. The REVEL score = 0.327, which was neither above nor below the thresholds for PP3 (≥ 0.644) or BP4 (≤ 0.290), predicting a damaging or benign impact on MYOC function. There was no functional evidence predicting a damaging or benign impact of this variant on MYOC function. This variant was identified in laboratory based testing, but has not yet been found in a proband with juvenile or primary open angle glaucoma, thus PS4 did not apply.In summary, this variant met the criteria to receive a score of 1 and to be classified as a variant of uncertain significance (uncertain significance classification range -1 to 5, adapted from PMID: 32720330) for primary open angle glaucoma based on the ACMG/AMP criteria met, as specified by the ClinGen Glaucoma VCEP (v2.0.0, 5 Dec 2024): PM2_Supporting.

Illumina Laboratory Services, Illumina
Classification: Uncertain significance for Glaucoma 1, open angle, A. Last evaluated: 2018-01-13. Review status: criteria provided, single submitter. Criteria: ICSL Variant Classification Criteria 13 December 2019. Collection method: clinical testing. Allele origin: germline. Not counted in ClinVar's aggregate classification.

Illumina Laboratory Services, Illumina
Classification: Uncertain significance for Glaucoma. Last evaluated: 2018-01-13. Review status: criteria provided, single submitter. Criteria: ICSL Variant Classification Criteria 13 December 2019. Collection method: clinical testing. Allele origin: germline. Not counted in ClinVar's aggregate classification.

NM_000261.2(MYOC):c.871G>A (p.Val291Ile)

Gene: MYOC (myocilin; minus strand). Cytogenetic location: 1q24.3.
Variant type: single nucleotide variant.
Coding change: c.871G>A on transcript NM_000261.2 (MANE Select); coding-DNA position 871, G replaced by A.
Protein change: p.Val291Ile; replaces valine 291 with isoleucine.
Molecular consequence: missense variant.
Genome position (GRCh38, 1-based): chr1:171,636,569, C>T on the plus strand (G>A on the coding strand, the complement: MYOC is on the minus strand). VCF-style: chr1-171636569-C-T. GRCh37 (hg19) VCF-style: chr1-171605709-C-T.
Other names: NM_000261.2(MYOC):c.871G>A; p.Val291Ile; short protein forms V291I.
Identifiers: ClinVar variation 293712 (VCV000293712.7), dbSNP rs886045565, ClinGen allele CA10608375.